The following is an entry in ClinVar:

NM_001035.3(RYR2):c.835A>G (p.Thr279Ala)

Gene: RYR2 (ryanodine receptor 2; plus strand). Cytogenetic location: 1q43.
Variant type: single nucleotide variant.
Coding change: c.835A>G on transcript NM_001035.3 (MANE Select); coding-DNA position 835, A replaced by G.
Protein change: p.Thr279Ala; replaces threonine 279 with alanine.
Molecular consequence: missense variant.
Genome position (GRCh38, 1-based): chr1:237,417,110, A>G. VCF-style: chr1-237417110-A-G. GRCh37 (hg19) VCF-style: chr1-237580410-A-G.
Other names: short protein forms T279A.
Identifiers: ClinVar variation 3622388 (VCV003622388.2).
Genomic context (GRCh38, chr1:237,417,110, plus strand): 5'-ACTGTTCATTATGAAGGTGGCGCTGTGTCTGTTCATGCACGTTCCCTTTGGAGACTAGAG[A>G]CGCTAAGAGTTGCGTAAGTAGAACTTCTAAACACAGCCTAATGCACCAAGTGTACCAAAT-3'
Protein context (NP_001026.2, residues 269-289): VHARSLWRLE[Thr279Ala]LRVAWSGSHI

ClinVar aggregate classification (germline): Uncertain significance (1 of 4 stars; one submission).

Conditions:
Catecholaminergic polymorphic ventricular tachycardia 1. Also called: VENTRICULAR TACHYCARDIA, STRESS-INDUCED POLYMORPHIC 1; VENTRICULAR TACHYCARDIA, CATECHOLAMINERGIC POLYMORPHIC, 1, WITH OR WITHOUT ATRIAL DYSFUNCTION AND/OR DILATED CARDIOMYOPATHY; RYR2-Related Catecholaminergic Polymorphic Ventricular Tachycardia. Identifiers: Orphanet 3286, MedGen C1631597, MONDO:0011484, OMIM 604772.

gnomAD v4.1: 1 of 1,613,410 alleles (0.000062%); highest among the groups gnomAD compares: Non-Finnish European, 0.000085%; no homozygotes.

Submission:

Labcorp Genetics (formerly Invitae), Labcorp
Classification: Uncertain significance for Catecholaminergic polymorphic ventricular tachycardia 1. Last evaluated: 2025-01-20. Review status: criteria provided, single submitter. Criteria: Invitae Variant Classification Sherloc (09022015). Collection method: clinical testing. Allele origin: germline.
Comment: This sequence change replaces threonine, which is neutral and polar, with alanine, which is neutral and non-polar, at codon 279 of the RYR2 protein (p.Thr279Ala). This variant is not present in population databases (gnomAD no frequency). This variant has not been reported in the literature in individuals affected with RYR2-related conditions. Invitae Evidence Modeling of protein sequence and biophysical properties (such as structural, functional, and spatial information, amino acid conservation, physicochemical variation, residue mobility, and thermodynamic stability) indicates that this missense variant is not expected to disrupt RYR2 protein function with a negative predictive value of 95%. In summary, the available evidence is currently insufficient to determine the role of this variant in disease. Therefore, it has been classified as a Variant of Uncertain Significance.